The following is an entry in ClinVar:

NM_197968.4(ZMYM2):c.3086_3087del (p.Phe1029fs)

Gene: ZMYM2 (zinc finger MYM-type containing 2; plus strand). Cytogenetic location: 13q12.11.
Variant type: Deletion.
Coding change: c.3086_3087del on transcript NM_197968.4 (MANE Select); coding-DNA positions 3086 to 3087, 2 bases deleted (TT; older notation c.3086_3087delTT).
Protein change: p.Phe1029fs; shifts the reading frame from phenylalanine 1029.
Molecular consequence: frameshift variant. On other transcripts: non-coding transcript variant (1).
Genome position (GRCh38, 1-based): chr13:20,064,499-20,064,500, TT deleted; deleting any 2 consecutive bases within chr13:20,064,496-20,064,500 gives the same sequence; the c. name uses the placement nearest the transcript's 3' end. VCF-style (leftmost placement, unchanged base first): chr13-20064495-GTT-G. GRCh37 (hg19) VCF-style: chr13-20638635-GTT-G.
Other names: c.3086_3087del, p.Phe1029fs (NM_001190964.4, NM_001190965.4, NM_001353157.2 and 5 more transcripts); c.2891_2892del, p.Phe964fs (NM_001353161.3); c.2825_2826del, p.Phe942fs (NM_001353163.2); short protein forms F964fs, F1029fs, F942fs.
Identifiers: ClinVar variation 4206177 (VCV004206177.1).
Genomic context (GRCh38, chr13:20,064,495, plus strand): 5'-CTGATTTGGTTGTCAGCTGCTGAGGAGCTTGATATGGAAAATGAATTTTTATTACCACCT[GTT>G]TTTGGCGAAGAATATGAGGAACAGCCCAGACCTCGATCTAAAAAAAAGGTACATTCACTT-3'

ClinVar aggregate classification (germline): Pathogenic (1 of 4 stars; one submission).

Conditions:
Inborn genetic diseases. Identifiers: MedGen C0950123, MeSH D030342.

Submission:

Ambry Genetics
Classification: Pathogenic for Inborn genetic diseases. Last evaluated: 2025-07-15. Review status: criteria provided, single submitter. Criteria: Ambry Variant Classification Scheme 2023. Collection method: clinical testing. Allele origin: germline.
Comment: The c.3086_3087delTT (p.F1029Wfs*5) alteration, located in exon 20 (coding exon 17) of the ZMYM2 gene, consists of a deletion of 2 nucleotides from position 3086 to 3087, causing a translational frameshift with a predicted alternate stop codon after 5 amino acids. This alteration is expected to result in loss of function by premature protein truncation or nonsense-mediated mRNA decay. This variant was not reported in population-based cohorts in the Genome Aggregation Database (gnomAD). Based on the available evidence, this alteration is classified as pathogenic.